The following is an entry in ClinVar:

NM_002860.4(ALDH18A1):c.1126A>T (p.Met376Leu)

Gene: ALDH18A1 (aldehyde dehydrogenase 18 family member A1; minus strand). Cytogenetic location: 10q24.1.
Variant type: single nucleotide variant.
Coding change: c.1126A>T on transcript NM_002860.4 (MANE Select); coding-DNA position 1126, A replaced by T.
Protein change: p.Met376Leu; replaces methionine 376 with leucine.
Molecular consequence: missense variant.
Genome position (GRCh38, 1-based): chr10:95,626,729, T>A on the plus strand (A>T on the coding strand, the complement: ALDH18A1 is on the minus strand). VCF-style: chr10-95626729-T-A. GRCh37 (hg19) VCF-style: chr10-97386486-T-A.
Other names: c.1120A>T, p.Met374Leu (NM_001017423.2, NM_001323415.2); c.793A>T, p.Met265Leu (NM_001323412.2, NM_001323416.2); c.1126A>T, p.Met376Leu (NM_001323413.2, NM_001323414.2); c.1021A>T, p.Met341Leu (NM_001323417.2); c.787A>T, p.Met263Leu (NM_001323418.2); c.490A>T, p.Met164Leu (NM_001323419.2); short protein forms M263L, M376L, M164L, M374L, M265L, M341L.
Identifiers: ClinVar variation 2953845 (VCV002953845.4), dbSNP rs770813627, ClinGen allele CA5620415.
Genomic context (GRCh38, chr10:95,626,729, plus strand): 5'-AAACTATAACAATATTATCACCTAAGGTTATTACCTGCTCAGGTTCCAAGGTGGCCAACA[T>A]CCTTCCTCCAGATCGCGCCATTTCTCCCTGCTGCTCAACAGTAGGGCCTGCAAGAATATG-3'
Protein context (NP_002851.2, residues 366-386): QGEMARSGGR[Met376Leu]LATLEPEQRA

ClinVar aggregate classification (germline): Uncertain significance. Review status: criteria provided, multiple submitters, no conflicts (2 of 4 stars). 2 submissions from 2 submitters: Uncertain significance (2). Last evaluated 2026-04-01.

Conditions:
Cutis laxa, autosomal dominant 3 (ADCL3). Identifiers: Orphanet 90348, MedGen C4225268, MONDO:0014706, OMIM 616603.
Autosomal dominant spastic paraplegia type 9. Identifiers: MedGen C1832669, MONDO:0015091.
de Barsy syndrome. Also called: Cutis laxa-corneal clouding-oligophrenia syndrome. Identifiers: Orphanet 2962, MedGen C0268354, MONDO:0017569.

Allele frequency attached by ClinVar (database versions not stated): gnomAD exomes 0.00001; ExAC 0.00003.
gnomAD v4.1: 21 of 1,613,834 alleles (0.0013%); highest among the groups gnomAD compares: Non-Finnish European, 0.0017%; no homozygotes.

Submissions (2):

CeGaT Center for Human Genetics Tuebingen
Classification: Uncertain significance. Last evaluated: 2026-04-01. Review status: criteria provided, single submitter. Criteria: CeGaT Center For Human Genetics Tuebingen Variant Classification Criteria Version 2. Collection method: clinical testing. Allele origin: germline. Affected: yes. Observed: 1 variant allele.
Comment: ALDH18A1: PM2, BP4

Labcorp Genetics (formerly Invitae), Labcorp
Classification: Uncertain significance for Autosomal dominant spastic paraplegia type 9; de Barsy syndrome; Cutis laxa, autosomal dominant 3. Last evaluated: 2022-11-06. Review status: criteria provided, single submitter. Criteria: Invitae Variant Classification Sherloc (09022015). Collection method: clinical testing. Allele origin: germline.
Comment: In summary, the available evidence is currently insufficient to determine the role of this variant in disease. Therefore, it has been classified as a Variant of Uncertain Significance. Advanced modeling of protein sequence and biophysical properties (such as structural, functional, and spatial information, amino acid conservation, physicochemical variation, residue mobility, and thermodynamic stability) performed at Invitae indicates that this missense variant is not expected to disrupt ALDH18A1 protein function. This variant has not been reported in the literature in individuals affected with ALDH18A1-related conditions. This variant is present in population databases (rs770813627, gnomAD 0.006%). This sequence change replaces methionine, which is neutral and non-polar, with leucine, which is neutral and non-polar, at codon 376 of the ALDH18A1 protein (p.Met376Leu).